The following is an entry in ClinVar:

ClinVar aggregate classification (germline): Likely benign. Review status: criteria provided, multiple submitters, no conflicts (2 of 4 stars). 2 submissions from 2 submitters: Likely benign (2). Last evaluated 2026-03-01.

Conditions:
Neurodevelopmental disorder with progressive spasticity and brain white matter abnormalities. Also called: CEREBRAL PALSY, SPASTIC QUADRIPLEGIC, 1. Identifiers: Orphanet 210141, Orphanet 641353, MedGen C5436628, MONDO:0033613, OMIM 619026.

Allele frequency attached by ClinVar (database versions not stated): gnomAD 0.00001; TOPMed 0.00002; gnomAD exomes 0.00003 and 0.00006; ExAC 0.00007.
gnomAD v4.1: 21 of 1,614,080 alleles (0.0013%); highest among the groups gnomAD compares: Admixed American, 0.035%; no homozygotes.

Submissions (2):

CeGaT Center for Human Genetics Tuebingen
Classification: Likely benign. Last evaluated: 2026-03-01. Review status: criteria provided, single submitter. Criteria: CeGaT Center For Human Genetics Tuebingen Variant Classification Criteria Version 2. Collection method: clinical testing. Allele origin: germline. Affected: yes. Observed: 1 variant allele.
Comment: GAD1: BP4, BP7

Labcorp Genetics (formerly Invitae), Labcorp
Classification: Likely benign for Neurodevelopmental disorder with progressive spasticity and brain white matter abnormalities. Last evaluated: 2025-04-10. Review status: criteria provided, single submitter. Criteria: Invitae Variant Classification Sherloc (09022015). Collection method: clinical testing. Allele origin: germline.

NM_000817.3(GAD1):c.1557A>G (p.Pro519=)

Gene: GAD1 (glutamate decarboxylase 1; plus strand). Cytogenetic location: 2q31.1.
Variant type: single nucleotide variant.
Coding change: c.1557A>G on transcript NM_000817.3 (MANE Select); coding-DNA position 1557, A replaced by G.
Protein change: p.Pro519=; no amino-acid change (proline 519 retained).
Molecular consequence: synonymous variant.
Genome position (GRCh38, 1-based): chr2:170,858,839, A>G. VCF-style: chr2-170858839-A-G. GRCh37 (hg19) VCF-style: chr2-171715349-A-G.
Identifiers: ClinVar variation 1551689 (VCV001551689.12), dbSNP rs751929630, ClinGen allele CA1962986.